The following is an entry in ClinVar:

NM_198525.3(KIF7):c.2404G>C (p.Glu802Gln)

Gene: KIF7 (kinesin family member 7; minus strand). Cytogenetic location: 15q26.1.
Variant type: single nucleotide variant.
Coding change: c.2404G>C on transcript NM_198525.3 (MANE Select); coding-DNA position 2404, G replaced by C.
Protein change: p.Glu802Gln; replaces glutamic acid 802 with glutamine.
Molecular consequence: missense variant.
Genome position (GRCh38, 1-based): chr15:89,633,874, C>G on the plus strand (G>C on the coding strand, the complement: KIF7 is on the minus strand). VCF-style: chr15-89633874-C-G. GRCh37 (hg19) VCF-style: chr15-90177105-C-G.
Other names: short protein forms E802Q.
Identifiers: ClinVar variation 4055834 (VCV004055834.1).

ClinVar aggregate classification (germline): Uncertain significance (1 of 4 stars; one submission).

gnomAD v4.1: 1 of 1,613,680 alleles (0.000062%); highest among the groups gnomAD compares: African/African-American, 0.0013%; no homozygotes.

Submission:

GeneDx
Classification: Uncertain significance. Last evaluated: 2024-12-27. Review status: criteria provided, single submitter. Criteria: GeneDx Variant Classification Process June 2021. Collection method: clinical testing. Allele origin: germline. Affected: yes.
Comment: Not observed at significant frequency in large population cohorts (gnomAD); In silico analysis indicates that this missense variant does not alter protein structure/function; Has not been previously published as pathogenic or benign to our knowledge